The following is an entry in ClinVar:

NM_000489.6(ATRX):c.5212A>G (p.Ile1738Val)

Gene: ATRX (ATRX chromatin remodeler; minus strand). Cytogenetic location: Xq21.1.
Variant type: single nucleotide variant.
Coding change: c.5212A>G on transcript NM_000489.6 (MANE Select); coding-DNA position 5212, A replaced by G.
Protein change: p.Ile1738Val; replaces isoleucine 1738 with valine.
Molecular consequence: missense variant.
Genome position (GRCh38, 1-based): chrX:77,620,455, T>C on the plus strand (A>G on the coding strand, the complement: ATRX is on the minus strand). VCF-style: chrX-77620455-T-C. GRCh37 (hg19) VCF-style: chrX-76875923-T-C.
Other names: c.5098A>G, p.Ile1700Val (NM_138270.5); short protein forms I1738V, I1700V.
Identifiers: ClinVar variation 390783 (VCV000390783.7), dbSNP rs1057523890, ClinGen allele CA16608941.
Genomic context (GRCh38, chrX:77,620,455, plus strand): 5'-ACTCAATTAGGTTATTTTGAAGTGGTGTTCCTGTTAAAATAATCCTCCTCCTTGATCGTA[T>C]AGAATTCATAGCTTTAGAAACAGCAGATGCTTCATTTTTTAGAATATGGCCTTCATCACA-3'
Protein context (NP_000480.3, residues 1728-1748): ASAVSKAMNS[Ile1738Val]RSRRRIILTG

ClinVar aggregate classification (germline): Uncertain significance. Review status: criteria provided, multiple submitters, no conflicts (2 of 4 stars). 2 submissions from 2 submitters: Uncertain significance (2). Last evaluated 2021-09-01.

Conditions:
Alpha thalassemia-X-linked intellectual disability syndrome (ATRX). Also called: ALPHA-THALASSEMIA/MENTAL RETARDATION SYNDROME, X-LINKED; X-linked alpha-thalassemia-mental retardation syndrome; ATR-X syndrome; Alpha thalassemia mental retardation syndrome, nondeletion type, X-linked; XLMR hypotonic face syndrome; ATR, NONDELETION TYPE. Identifiers: Orphanet 847, MedGen C1845055, MONDO:0010519, OMIM 301040.

Allele frequency attached by ClinVar (database versions not stated): gnomAD exomes below 0.00001.
gnomAD v4.1: 1 of 1,207,779 alleles (0.000083%); highest among the groups gnomAD compares: Non-Finnish European, 0.00011%; no homozygotes.

Submissions (2):

Labcorp Genetics (formerly Invitae), Labcorp
Classification: Uncertain significance for Alpha thalassemia-X-linked intellectual disability syndrome. Last evaluated: 2021-09-01. Review status: criteria provided, single submitter. Criteria: Invitae Variant Classification Sherloc (09022015). Collection method: clinical testing. Allele origin: germline.
Comment: This sequence change replaces isoleucine with valine at codon 1738 of the ATRX protein (p.Ile1738Val). The isoleucine residue is highly conserved and there is a small physicochemical difference between isoleucine and valine. This variant is not present in population databases (ExAC no frequency). This variant has not been reported in the literature in individuals affected with ATRX-related conditions. ClinVar contains an entry for this variant (Variation ID: 390783). Advanced modeling of protein sequence and biophysical properties (such as structural, functional, and spatial information, amino acid conservation, physicochemical variation, residue mobility, and thermodynamic stability) performed at Invitae indicates that this missense variant is expected to disrupt ATRX protein function. Algorithms developed to predict the effect of sequence changes on RNA splicing suggest that this variant may create or strengthen a splice site. In summary, the available evidence is currently insufficient to determine the role of this variant in disease. Therefore, it has been classified as a Variant of Uncertain Significance.

GeneDx
Classification: Uncertain significance. Last evaluated: 2016-11-21. Review status: criteria provided, single submitter. Criteria: GeneDx Variant Classification (06012015). Collection method: clinical testing. Allele origin: germline. Affected: yes.
Comment: The I1738V variant in the ATRX gene has not been reported previously as a pathogenic variant, nor as a benign variant, to our knowledge. The I1738V variant was not observed in approximately 6,500 individuals of European and African American ancestry in the NHLBI Exome Sequencing Project, indicating it is not a common benign variant in these populations. The I1738V variant is a conservative amino acid substitution, which is not likely to impact secondary protein structure as these residues share similar properties. This substitution occurs at a position that is conserved across species. In silico analysis is inconsistent in its predictions as to whether or not the variant is damaging to the protein structure/function. We interpret I1738V as a variant of uncertain significance.